The following is an entry in ClinVar:

ClinVar aggregate classification (germline): Benign. Review status: criteria provided, single submitter (1 of 4 stars). 2 submissions from 2 submitters: Benign (1). 1 of the submissions does not count toward it. Last evaluated 2022-09-13.

Conditions:
Familial colorectal cancer. Identifiers: MedGen CN280943, MONDO:0023113. Disease mechanism: loss of function.

Allele frequency attached by ClinVar (database versions not stated): gnomAD 0.51721; TOPMed 0.54464; 1000 Genomes Project 30x 0.59838; 1000 Genomes Project 0.60144.
gnomAD v4.1: 80,820 of 151,922 alleles (53%); highest among the groups gnomAD compares: East Asian, 79%; 22,046 homozygotes.

Submissions (2):

ARUP Laboratories, Molecular Genetics and Genomics, ARUP Laboratories
Classification: Benign. Last evaluated: 2022-09-13. Review status: criteria provided, single submitter. Criteria: ARUP Molecular Germline Variant Investigation Process 2021. Collection method: clinical testing. Allele origin: germline.

Systems Biology Platform Zhejiang California International NanoSystems Institute
Classification: other for Familial colorectal cancer. Review status: no assertion criteria provided. Collection method: not provided. Allele origin: unknown. Not counted in ClinVar's aggregate classification.
ClinVar note: Converted during submission from cancer to other.

NM_000038.6(APC):c.-19+734C>T

Gene: APC (APC regulator of WNT signaling pathway; plus strand). Cytogenetic location: 5q22.2.
Variant type: single nucleotide variant.
Coding change: c.-19+734C>T on transcript NM_000038.6 (MANE Select); 734 bases into the intron after 19 bases upstream of the start codon, C replaced by T.
Molecular consequence: intron variant.
Genome position (GRCh38, 1-based): chr5:112,738,659, C>T. VCF-style: chr5-112738659-C-T. GRCh37 (hg19) VCF-style: chr5-112074356-C-T.
Other names: c.-18-16214C>T (NM_001354895.2); c.166-27667C>T (NM_001354897.2, NM_001354902.2, NM_001127511.3); c.-19+199C>T (NM_001127510.3); c.60+199C>T (NM_001354898.2, NM_001354904.2); c.-1054+734C>T (NM_001354906.2); c.-19+734C>T (NM_001354896.2, NM_001354903.2, NM_001354899.2); c.-43+734C>T (NM_001354900.2, NM_001354901.2, NM_001354905.2).
Identifiers: ClinVar variation 82744 (VCV000082744.16), dbSNP rs2020383, ClinGen allele CA007006.